The following is an entry in ClinVar:

NM_015972.4(POLR1D):c.379A>G (p.Ser127Gly)

Genes: POLR1D (RNA polymerase I and III subunit D; plus strand), LOC147380392 (uncharacterized LOC147380392; plus strand). Cytogenetic location: 13q12.2.
Variant type: single nucleotide variant.
Coding change: c.379A>G on transcript NM_015972.4 (MANE Select); coding-DNA position 379, A replaced by G.
Protein change: p.Ser127Gly; replaces serine 127 with glycine.
Molecular consequence: missense variant. On other transcripts: intron variant (2).
Genome position (GRCh38, 1-based): chr13:27,623,227, A>G. VCF-style: chr13-27623227-A-G. GRCh37 (hg19) VCF-style: chr13-28197364-A-G.
Other names: c.379A>G, p.Ser127Gly (NM_001374407.1); c.-59+2087A>G (NM_001206559.2); c.26+1218A>G (NM_152705.3); short protein forms S127G.
Identifiers: ClinVar variation 1687710 (VCV001687710.2), dbSNP rs1955970624, ClinGen allele CA387636318.
Genomic context (GRCh38, chr13:27,623,227, plus strand): 5'-TGCCAACATGTGCTTGACAAGTTTGAGGCCAGCATAAAGGACTATAAGGATCAAAAAGCA[A>G]GCAGAAATGAATCCACATTCTAGTCCTTTATGCAGTATACAAGGAGAACTGTCCTGTAGG-3'
Protein context (NP_057056.1, residues 117-133): SIKDYKDQKA[Ser127Gly]RNESTF

ClinVar aggregate classification (germline): Uncertain significance (1 of 4 stars; one submission).

Allele frequency attached by ClinVar (database versions not stated): gnomAD 0.00001.
gnomAD v4.1: 1 of 1,613,936 alleles (0.000062%); highest among the groups gnomAD compares: African/African-American, 0.0013%; no homozygotes.

Submission:

GeneDx
Classification: Uncertain significance. Last evaluated: 2022-05-11. Review status: criteria provided, single submitter. Criteria: GeneDx Variant Classification Process June 2021. Collection method: clinical testing. Allele origin: germline. Affected: yes.
Comment: Not observed at significant frequency in large population cohorts (gnomAD); In silico analysis supports that this missense variant does not alter protein structure/function; Has not been previously published as pathogenic or benign to our knowledge